The following is an entry in ClinVar:

ClinVar aggregate classification (germline): Uncertain significance (1 of 4 stars; one submission).

Conditions:
Infantile epilepsy syndrome. Identifiers: MedGen CN276928, MONDO:0020071.

gnomAD v4.1: 2 of 1,512,892 alleles (0.00013%); highest among the groups gnomAD compares: East Asian, 0.0026%; no homozygotes.

Submission:

Broad Center for Mendelian Genomics, Broad Institute of MIT and Harvard
Classification: Uncertain significance for Infantile epilepsy syndrome. Last evaluated: 2025-07-18. Review status: criteria provided, single submitter. Criteria: ACMG Guidelines, 2015. Collection method: curation. Allele origin: germline. Inheritance: Autosomal dominant inheritance. Study: GREGoR Consortium.
Comment: While this gene is still lacking sufficient evidence to establish a gene-disease relationship, we believe this is a possible novel gene candidate for infantile epilepsy syndrome. Given the limited information about this gene-disease relationship, the significance of the p.Thr2Ile variant is uncertain. If you have any additional information about functional evidence or other individuals with this phenotype that also have variants in RHPN2 we encourage you to reach out to us.

NM_033103.5(RHPN2):c.5C>T (p.Thr2Ile)

Genes: RHPN2 (rhophilin Rho GTPase binding protein 2; minus strand), LOC130064169 (ATAC-STARR-seq lymphoblastoid silent region 10489; plus strand). Cytogenetic location: 19q13.11.
Variant type: single nucleotide variant.
Coding change: c.5C>T on transcript NM_033103.5 (MANE Select); coding-DNA position 5, C replaced by T.
Protein change: p.Thr2Ile; replaces threonine 2 with isoleucine.
Molecular consequence: missense variant.
Genome position (GRCh38, 1-based): chr19:33,064,848, G>A on the plus strand (C>T on the coding strand, the complement: RHPN2 is on the minus strand). VCF-style: chr19-33064848-G-A. GRCh37 (hg19) VCF-style: chr19-33555754-G-A.
Other names: NM_033103.5:c.5C>T; short protein forms T2I.
Identifiers: ClinVar variation 4070927 (VCV004070927.1).
Genomic context (GRCh38, chr19:33,064,848, plus strand): 5'-CGAAAGTAGCCGTCGTTCTCCTTCTCCAGCGGCTGGGGGGCCGCGGGCAACAGCGCGTCG[G>A]TCATGCTAGCGGCGCGGGCGCGGAGGGCGGACGGCGGACTGAGGCGCGGCGGCTGAGGCT-3'
Protein context (NP_149094.3, residues 1-12): M[Thr2Ile]DALLPAAPQP